The following is an entry in ClinVar:

ClinVar aggregate classification (germline): Uncertain significance. Review status: criteria provided, multiple submitters, no conflicts (2 of 4 stars). 5 submissions from 5 submitters: Uncertain significance (5). Last evaluated 2024-11-27.

Conditions:
Inborn genetic diseases. Identifiers: MedGen C0950123, MeSH D030342.
Retinitis pigmentosa (RP). Identifiers: Orphanet 791, MedGen C0035334, MeSH D012174, MONDO:0019200, OMIM 268000. Inheritance: Autosomal dominant, autosomal recessive and X linked inheritance.

Allele frequency attached by ClinVar (database versions not stated): gnomAD 0.00001; gnomAD exomes 0.00001 and 0.00003; TOPMed 0.00003.
gnomAD v4.1: 46 of 1,613,930 alleles (0.0029%); highest among the groups gnomAD compares: Non-Finnish European, 0.0039%; no homozygotes.

Submissions (5):

Ambry Genetics
Classification: Uncertain significance for Inborn genetic diseases. Last evaluated: 2024-11-27. Review status: criteria provided, single submitter. Criteria: Ambry Variant Classification Scheme 2023. Collection method: clinical testing. Allele origin: germline.

Labcorp Genetics (formerly Invitae), Labcorp
Classification: Uncertain significance. Last evaluated: 2021-10-13. Review status: criteria provided, single submitter. Criteria: Invitae Variant Classification Sherloc (09022015). Collection method: clinical testing. Allele origin: germline.
Comment: This sequence change replaces isoleucine with leucine at codon 433 of the CERKL protein (p.Ile433Leu). The isoleucine residue is moderately conserved and there is a small physicochemical difference between isoleucine and leucine. This variant is not present in population databases (ExAC no frequency). This variant has not been reported in the literature in individuals affected with CERKL-related conditions. ClinVar contains an entry for this variant (Variation ID: 594105). Algorithms developed to predict the effect of missense changes on protein structure and function (SIFT, PolyPhen-2, Align-GVGD) all suggest that this variant is likely to be tolerated. In summary, the available evidence is currently insufficient to determine the role of this variant in disease. Therefore, it has been classified as a Variant of Uncertain Significance.

Blueprint Genetics
Classification: Uncertain significance. Last evaluated: 2018-12-28. Review status: criteria provided, single submitter. Criteria: ACMG Guidelines, 2015. Collection method: clinical testing. Allele origin: germline.

Illumina Laboratory Services, Illumina
Classification: Uncertain significance for Retinitis pigmentosa. Last evaluated: 2018-01-13. Review status: criteria provided, single submitter. Criteria: ICSL Variant Classification Criteria 13 December 2019. Collection method: clinical testing. Allele origin: germline.

Eurofins Ntd Llc (ga)
Classification: Uncertain significance. Last evaluated: 2017-09-28. Review status: criteria provided, single submitter. Criteria: EGL Classification Definitions 2015. Collection method: clinical testing. Allele origin: germline. Observed: 1 variant allele, 1 heterozygote.

NM_201548.5(CERKL):c.1219A>C (p.Ile407Leu)

Gene: CERKL (CERK like autophagy regulator; minus strand). Cytogenetic location: 2q31.3.
Variant type: single nucleotide variant.
Coding change: c.1219A>C on transcript NM_201548.5 (MANE Select); coding-DNA position 1219, A replaced by C.
Protein change: p.Ile407Leu; replaces isoleucine 407 with leucine.
Molecular consequence: missense variant. On other transcripts: non-coding transcript variant (2).
Genome position (GRCh38, 1-based): chr2:181,547,667, T>G on the plus strand (A>C on the coding strand, the complement: CERKL is on the minus strand). VCF-style: chr2-181547667-T-G. GRCh37 (hg19) VCF-style: chr2-182412394-T-G.
Other names: c.1297A>C, p.Ile433Leu (NM_001030311.3); c.880A>C, p.Ile294Leu (NM_001030312.3); c.1012A>C, p.Ile338Leu (NM_001030313.3); c.1165A>C, p.Ile389Leu (NM_001160277.2); c.1297A>C (NM_001030311.2); short protein forms I433L, I294L, I338L, I407L, I389L.
Identifiers: ClinVar variation 594105 (VCV000594105.13), dbSNP rs747024040, ClinGen allele CA61582394.
Genomic context (GRCh38, chr2:181,547,667, plus strand): 5'-TGCTTACTAACCTGGTATTAGGTGCCAAGCCTCTAGGTGCCACTGAACACAGGCAAGGAA[T>G]TGCCATAATGCTGACATTCAAGAACTGACCCTGGATCATTTGCCATTGATCATTACAGTC-3'
Protein context (NP_963842.1, residues 397-417): GQFLNVSIMA[Ile407Leu]PCLCSVAPRG